The following is an entry in ClinVar:

ClinVar aggregate classification (germline): Uncertain significance (1 of 4 stars; one submission).

Conditions:
Developmental and epileptic encephalopathy, 85, with or without midline brain defects. Also called: EPILEPTIC ENCEPHALOPATHY, EARLY INFANTILE, 85, WITH OR WITHOUT MIDLINE BRAIN DEFECTS. Identifiers: MedGen C5393312, MONDO:0026771, OMIM 301044.
Congenital muscular hypertrophy-cerebral syndrome (CDLS2). Also called: SMC1A-Related Cornelia de Lange Syndrome; Cornelia de Lange syndrome 2. Identifiers: Orphanet 199, MedGen C1802395, MONDO:0010370, OMIM 300590.

Submission:

Juno Genomics, Hangzhou Juno Genomics, Inc
Classification: Uncertain significance for Congenital muscular hypertrophy-cerebral syndrome; Developmental and epileptic encephalopathy, 85, with or without midline brain defects. Review status: criteria provided, single submitter. Criteria: ACMG Guidelines, 2015. Collection method: clinical testing. Allele origin: germline.
Comment: Absent from controls (or at extremely low frequency if recessive) in Genome Aggregation Database.;Multiple lines of computational evidence support a deleterious effect on the gene or gene product.

NM_006306.4(SMC1A):c.3648G>A (p.Leu1216=)

Gene: SMC1A (structural maintenance of chromosomes 1A; minus strand). Cytogenetic location: Xp11.22.
Variant type: single nucleotide variant.
Coding change: c.3648G>A on transcript NM_006306.4 (MANE Select); coding-DNA position 3648, G replaced by A.
Protein change: p.Leu1216=; no amino-acid change (leucine 1216 retained).
Molecular consequence: synonymous variant.
Genome position (GRCh38, 1-based): chrX:53,380,157, C>T on the plus strand (G>A on the coding strand, the complement: SMC1A is on the minus strand). VCF-style: chrX-53380157-C-T. GRCh37 (hg19) VCF-style: chrX-53407078-C-T.
Other names: c.3582G>A, p.Leu1194= (NM_001281463.1).
Identifiers: ClinVar variation 5007578 (VCV005007578.2).